The following is an entry in ClinVar:

NM_003659.4(AGPS):c.1826A>G (p.Asn609Ser)

Gene: AGPS (alkylglycerone phosphate synthase; plus strand). Cytogenetic location: 2q31.2.
Variant type: single nucleotide variant.
Coding change: c.1826A>G on transcript NM_003659.4 (MANE Select); coding-DNA position 1826, A replaced by G.
Protein change: p.Asn609Ser; replaces asparagine 609 with serine.
Molecular consequence: missense variant.
Genome position (GRCh38, 1-based): chr2:177,523,776, A>G. VCF-style: chr2-177523776-A-G. GRCh37 (hg19) VCF-style: chr2-178388504-A-G.
Other names: short protein forms N609S.
Identifiers: ClinVar variation 1363011 (VCV001363011.5), dbSNP rs1265615518, ClinGen allele CA349376202.

ClinVar aggregate classification (germline): Uncertain significance (1 of 4 stars; one submission).

Allele frequency attached by ClinVar (database versions not stated): gnomAD 0.00001; gnomAD exomes 0.00001; TOPMed 0.00001.
gnomAD v4.1: 14 of 1,613,852 alleles (0.00087%); highest among the groups gnomAD compares: Non-Finnish European, 0.0012%; no homozygotes.

Submission:

Labcorp Genetics (formerly Invitae), Labcorp
Classification: Uncertain significance. Last evaluated: 2021-09-24. Review status: criteria provided, single submitter. Criteria: Invitae Variant Classification Sherloc (09022015). Collection method: clinical testing. Allele origin: germline.
Comment: This sequence change replaces asparagine with serine at codon 609 of the AGPS protein (p.Asn609Ser). The asparagine residue is highly conserved and there is a small physicochemical difference between asparagine and serine. This variant is not present in population databases (ExAC no frequency). This variant has not been reported in the literature in individuals with AGPS-related conditions. Algorithms developed to predict the effect of missense changes on protein structure and function (SIFT, PolyPhen-2, Align-GVGD) all suggest that this variant is likely to be tolerated, but these predictions have not been confirmed by published functional studies and their clinical significance is uncertain. In summary, the available evidence is currently insufficient to determine the role of this variant in disease. Therefore, it has been classified as a Variant of Uncertain Significance.